The following is an entry in ClinVar:

ClinVar aggregate classification (germline): Uncertain significance. Review status: criteria provided, multiple submitters, no conflicts (2 of 4 stars). 2 submissions from 2 submitters: Uncertain significance (2). Last evaluated 2024-01-12.

Conditions:
Cardiovascular phenotype. Identifiers: MedGen CN230736.
Hypertrophic cardiomyopathy 14. Identifiers: MedGen C2750467, MONDO:0013197, OMIM 613251.

Allele frequency attached by ClinVar (database versions not stated): gnomAD exomes below 0.00001.
gnomAD v4.1: 2 of 1,614,052 alleles (0.00012%); highest among the groups gnomAD compares: South Asian, 0.0011%; no homozygotes.

Submissions (2):

Ambry Genetics
Classification: Uncertain significance for Cardiovascular phenotype. Last evaluated: 2024-01-12. Review status: criteria provided, single submitter. Criteria: Ambry Variant Classification Scheme 2023. Collection method: clinical testing. Allele origin: germline.
Comment: The c.502+1G>C intronic variant results from a G to C substitution one nucleotide after coding exon 3 of the MYH6 gene. This nucleotide position is highly conserved in available vertebrate species. In silico splice site analysis predicts that this alteration will weaken the native splice donor site and will result in the creation or strengthening of a novel splice donor site. Alterations that disrupt the canonical splice site are expected to cause aberrant splicing, resulting in an abnormal protein or a transcript that is subject to nonsense-mediated mRNA decay. However, loss of function of MYH6 has not been established as a mechanism of disease. Since supporting evidence is limited at this time, the clinical significance of this alteration remains unclear.

Labcorp Genetics (formerly Invitae), Labcorp
Classification: Uncertain significance for Hypertrophic cardiomyopathy 14. Last evaluated: 2023-12-05. Review status: criteria provided, single submitter. Criteria: Invitae Variant Classification Sherloc (09022015). Collection method: clinical testing. Allele origin: germline.
Comment: This sequence change affects a donor splice site in intron 5 of the MYH6 gene. It is expected to disrupt RNA splicing. Variants that disrupt the donor or acceptor splice site typically lead to a loss of protein function (PMID: 16199547), however the current clinical and genetic evidence is not sufficient to establish whether loss-of-function variants in MYH6 cause disease. This variant is present in population databases (no rsID available, gnomAD 0.003%). This variant has not been reported in the literature in individuals affected with MYH6-related conditions. Algorithms developed to predict the effect of sequence changes on RNA splicing suggest that this variant may disrupt the consensus splice site. In summary, the available evidence is currently insufficient to determine the role of this variant in disease. Therefore, it has been classified as a Variant of Uncertain Significance.

Literature cited by the submitters: PubMed 16199547 (cited by Labcorp Genetics (formerly Invitae), Labcorp).

NM_002471.4(MYH6):c.502+1G>C

Genes: MYH6 (myosin heavy chain 6; minus strand), LOC114827851 (VISTA enhancer hs2155; plus strand). Cytogenetic location: 14q11.2.
Variant type: single nucleotide variant.
Coding change: c.502+1G>C on transcript NM_002471.4 (MANE Select); the canonical splice donor site of the intron after coding-DNA position 502, G replaced by C.
Molecular consequence: splice donor variant.
Genome position (GRCh38, 1-based): chr14:23,405,222, C>G on the plus strand (G>C on the coding strand, the complement: MYH6 is on the minus strand). VCF-style: chr14-23405222-C-G. GRCh37 (hg19) VCF-style: chr14-23874431-C-G.
Other names: c.502+1G>C (NM_002471.3).
Identifiers: ClinVar variation 2910556 (VCV002910556.4), dbSNP rs1161616877, ClinGen allele CA389030613.
Genomic context (GRCh38, chr14:23,405,222, plus strand): 5'-GGCTGAGGATCTGGGTGGGTGTCTGGGAGGAGGAGCAGAGACCAGGGGCCACCAGGCTCA[C>G]CTGTCAGCATGTACTGATAGGCGTTGTCGGAGATGGAGAAGATGTGGGGCGGGGCCTCAC-3'